The following is an entry in ClinVar:

ClinVar aggregate classification (germline): Likely benign (0 of 4 stars; one submission).

Conditions:
PLXNA4-related disorder. Also called: PLXNA4-related condition.

Allele frequency attached by ClinVar (database versions not stated): gnomAD 0.00001; TOPMed 0.00001; gnomAD exomes 0.00003.
gnomAD v4.1: 49 of 1,614,038 alleles (0.003%); highest among the groups gnomAD compares: Non-Finnish European, 0.0037%; no homozygotes.

Submission:

PreventionGenetics, part of Exact Sciences
Classification: Likely benign for PLXNA4-related condition. Last evaluated: 2023-08-04. Review status: no assertion criteria provided. Collection method: clinical testing. Allele origin: germline.
Comment: This variant is classified as likely benign based on ACMG/AMP sequence variant interpretation guidelines (Richards et al. 2015 PMID: 25741868, with internal and published modifications).

NM_020911.2(PLXNA4):c.750T>C (p.Ser250=)

Gene: PLXNA4 (plexin A4; minus strand). Cytogenetic location: 7q32.3.
Variant type: single nucleotide variant.
Coding change: c.750T>C on transcript NM_020911.2 (MANE Select); coding-DNA position 750, T replaced by C.
Protein change: p.Ser250=; no amino-acid change (serine 250 retained).
Molecular consequence: synonymous variant.
Genome position (GRCh38, 1-based): chr7:132,507,944, A>G on the plus strand (T>C on the coding strand, the complement: PLXNA4 is on the minus strand). VCF-style: chr7-132507944-A-G. GRCh37 (hg19) VCF-style: chr7-132192703-A-G.
Other names: c.750T>C, p.Ser250= (NM_001105543.2, NM_001393897.1, NM_181775.4).
Identifiers: ClinVar variation 3030829 (VCV003030829.2), dbSNP rs1197601323, ClinGen allele CA457858016.